The following is an entry in ClinVar:

ClinVar aggregate classification (germline): Uncertain significance. Review status: criteria provided, multiple submitters, no conflicts (2 of 4 stars). 3 submissions from 3 submitters: Uncertain significance (3). Last evaluated 2025-02-10.

Conditions:
AK7-related disorder. Also called: AK7-related condition.

Allele frequency attached by ClinVar (database versions not stated): gnomAD 0.00007; TOPMed 0.00007; ExAC 0.00010; 1000 Genomes Project 30x 0.00016; 1000 Genomes Project 0.00020.
gnomAD v4.1: 80 of 1,611,186 alleles (0.005%); highest among the groups gnomAD compares: East Asian, 0.12%; no homozygotes.

Submissions (3):

PreventionGenetics, part of Exact Sciences
Classification: Uncertain significance for AK7-related condition. Last evaluated: 2025-02-10. Review status: criteria provided, single submitter. Criteria: ACMG Guidelines, 2015. Collection method: clinical testing. Allele origin: germline.
Comment: The AK7 c.631G>A variant is predicted to result in the amino acid substitution p.Val211Ile. To our knowledge, this variant has not been reported in the literature. This variant is reported in 0.17% of alleles in individuals of East Asian descent in gnomAD. Although we suspect that this variant may be benign, at this time, the clinical significance of this variant is uncertain due to the absence of conclusive functional and genetic evidence.

Ambry Genetics
Classification: Uncertain significance. Last evaluated: 2024-01-08. Review status: criteria provided, single submitter. Criteria: Ambry Variant Classification Scheme 2023. Collection method: clinical testing. Allele origin: germline.

Labcorp Genetics (formerly Invitae), Labcorp
Classification: Uncertain significance. Last evaluated: 2022-01-17. Review status: criteria provided, single submitter. Criteria: Invitae Variant Classification Sherloc (09022015). Collection method: clinical testing. Allele origin: germline.
Comment: In summary, the available evidence is currently insufficient to determine the role of this variant in disease. Therefore, it has been classified as a Variant of Uncertain Significance. Algorithms developed to predict the effect of missense changes on protein structure and function are either unavailable or do not agree on the potential impact of this missense change (SIFT: "Deleterious"; PolyPhen-2: "Benign"; Align-GVGD: "Class C0"). This variant has not been reported in the literature in individuals affected with AK7-related conditions. This variant is present in population databases (rs201330148, gnomAD 0.2%), and has an allele count higher than expected for a pathogenic variant. This sequence change replaces valine, which is neutral and non-polar, with isoleucine, which is neutral and non-polar, at codon 211 of the AK7 protein (p.Val211Ile).

NM_152327.5(AK7):c.631G>A (p.Val211Ile)

Gene: AK7 (adenylate kinase 7; plus strand). Cytogenetic location: 14q32.2.
Variant type: single nucleotide variant.
Coding change: c.631G>A on transcript NM_152327.5 (MANE Select); coding-DNA position 631, G replaced by A.
Protein change: p.Val211Ile; replaces valine 211 with isoleucine.
Molecular consequence: missense variant.
Genome position (GRCh38, 1-based): chr14:96,437,856, G>A. VCF-style: chr14-96437856-G-A. GRCh37 (hg19) VCF-style: chr14-96904193-G-A.
Other names: c.631G>A, p.Val211Ile (NM_001350888.2, NM_001350890.2, NM_001350891.2 and 1 more transcripts); c.631G>A (NM_152327.3, NM_152327.2); short protein forms V211I.
Identifiers: ClinVar variation 2419296 (VCV002419296.6), dbSNP rs201330148, ClinGen allele CA7337559.
Genomic context (GRCh38, chr14:96,437,856, plus strand): 5'-ATTACATCCAGCTTTTTTTTTCTGTATTTTATCTAATAGGCCAGAAAATTTGCAGCATAC[G>A]TAGTTGCTGCTGGACTCCAGTATGGAGCGGAAGGAGGCATGTTACACACATTTTTTAAGG-3'
Protein context (NP_689540.2, residues 201-221): GKKARKFAAY[Val211Ile]VAAGLQYGAE